The following is an entry in ClinVar:

ClinVar aggregate classification (germline): Conflicting classifications of pathogenicity. Review status: criteria provided, conflicting classifications (1 of 4 stars). 2 submissions from 2 submitters: Uncertain significance (1); Benign (1). Last evaluated 2025-11-17.

Conditions:
Hereditary cancer-predisposing syndrome. Also called: Tumor predisposition; Hereditary neoplastic syndrome; Neoplastic Syndromes, Hereditary; Hereditary Cancer Syndrome. Identifiers: Orphanet 140162, MedGen C0027672, MeSH D009386, MONDO:0015356.
Tuberous sclerosis 2 (TSC2). Identifiers: Orphanet 805, MedGen C1860707, MONDO:0013199, OMIM 613254.

Allele frequency attached by ClinVar (database versions not stated): gnomAD exomes below 0.00001.
gnomAD v4.1: 4 of 1,613,308 alleles (0.00025%); highest among the groups gnomAD compares: Non-Finnish European, 0.00034%; no homozygotes.

Submissions (2):

Labcorp Genetics (formerly Invitae), Labcorp
Classification: Benign for Tuberous sclerosis 2. Last evaluated: 2025-11-17. Review status: criteria provided, single submitter. Criteria: Invitae Variant Classification Sherloc (09022015). Collection method: clinical testing. Allele origin: germline.

Ambry Genetics
Classification: Uncertain significance for Hereditary cancer-predisposing syndrome. Last evaluated: 2025-07-23. Review status: criteria provided, single submitter. Criteria: Ambry Variant Classification Scheme 2023. Collection method: clinical testing. Allele origin: germline.
Comment: The p.K930E variant (also known as c.2788A>G), located in coding exon 24 of the TSC2 gene, results from an A to G substitution at nucleotide position 2788. The lysine at codon 930 is replaced by glutamic acid, an amino acid with similar properties. This amino acid position is well conserved in available vertebrate species. In addition, the in silico prediction for this alteration is inconclusive. Based on the available evidence, the clinical significance of this variant remains unclear.

NM_000548.5(TSC2):c.2788A>G (p.Lys930Glu)

Gene: TSC2 (TSC complex subunit 2; plus strand). Cytogenetic location: 16p13.3.
Variant type: single nucleotide variant.
Coding change: c.2788A>G on transcript NM_000548.5 (MANE Select); coding-DNA position 2788, A replaced by G.
Protein change: p.Lys930Glu; replaces lysine 930 with glutamic acid.
Molecular consequence: missense variant.
Genome position (GRCh38, 1-based): chr16:2,076,536, A>G. VCF-style: chr16-2076536-A-G. GRCh37 (hg19) VCF-style: chr16-2126537-A-G.
Other names: c.2788A>G, p.Lys930Glu (NM_001077183.3, NM_001114382.3, NM_001363528.2 and 3 more transcripts); c.2677A>G, p.Lys893Glu (NM_001318827.2); c.2641A>G, p.Lys881Glu (NM_001318829.2); c.2188A>G, p.Lys730Glu (NM_001318831.2); c.2821A>G, p.Lys941Glu (NM_001318832.2); short protein forms K893E, K930E, K941E, K730E, K881E.
Identifiers: ClinVar variation 703797 (VCV000703797.11), dbSNP rs1596369527, ClinGen allele CA394279985.
Genomic context (GRCh38, chr16:2,076,536, plus strand): 5'-TGCTCACTCTGCCAGGGCCTGCGGTCCAATGTCCTCTTGTCTTTTGATGACACCCCCGAG[A>G]AGGACAGCTTCAGGGCCCGGAGTACTAGTCTCAACGAGAGACCCAAGAGGTACGGCCTGC-3'
Protein context (NP_000539.2, residues 920-940): VLLSFDDTPE[Lys930Glu]DSFRARSTSL